The following is an entry in ClinVar:

ClinVar aggregate classification (germline): Uncertain significance (1 of 4 stars; one submission).

Submission:

Labcorp Genetics (formerly Invitae), Labcorp
Classification: Uncertain significance. Last evaluated: 2025-11-23. Review status: criteria provided, single submitter. Criteria: Invitae Variant Classification Sherloc (09022015). Collection method: clinical testing. Allele origin: germline.
Comment: This sequence change creates a premature translational stop signal (p.Ile36Phefs*4) in the PSMG2 gene. It is expected to result in an absent or disrupted protein product. However, the current clinical and genetic evidence is not sufficient to establish whether loss-of-function variants in PSMG2 cause disease. This variant is not present in population databases (gnomAD no frequency). This variant has not been reported in the literature in individuals affected with PSMG2-related conditions. In summary, the available evidence is currently insufficient to determine the role of this variant in disease. Therefore, it has been classified as a Variant of Uncertain Significance.

NM_020232.5(PSMG2):c.105del (p.Ile36fs)

Gene: PSMG2 (proteasome assembly chaperone 2; plus strand). Cytogenetic location: 18p11.21.
Variant type: Deletion.
Coding change: c.105del on transcript NM_020232.5 (MANE Select); coding-DNA position 105, one base deleted (T; older notation c.105delT).
Protein change: p.Ile36fs; shifts the reading frame from isoleucine 36.
Molecular consequence: frameshift variant.
Genome position (GRCh38, 1-based): chr18:12,706,597, T deleted; the last of 2 consecutive T bases (chr18:12,706,596-12,706,597); deleting either gives the same sequence. VCF-style (leftmost placement, unchanged base first): chr18-12706595-AT-A. GRCh37 (hg19) VCF-style: chr18-12706594-AT-A.
Other names: c.12del, p.Ile5fs (NM_147163.2); short protein forms I5fs, I36fs.
Identifiers: ClinVar variation 4776615 (VCV004776615.1).